The following is an entry in ClinVar:

NM_001844.5(COL2A1):c.86-46C>G

Gene: COL2A1 (collagen type II alpha 1 chain; minus strand). Cytogenetic location: 12q13.11.
Variant type: single nucleotide variant.
Coding change: c.86-46C>G on transcript NM_001844.5 (MANE Select); 46 bases into the intron before coding-DNA position 86, C replaced by G.
Molecular consequence: intron variant.
Genome position (GRCh38, 1-based): chr12:48,000,171, G>C on the plus strand (C>G on the coding strand, the complement: COL2A1 is on the minus strand). VCF-style: chr12-48000171-G-C. GRCh37 (hg19) VCF-style: chr12-48393954-G-C.
Other names: c.86-1740C>G (NM_033150.3).
Identifiers: ClinVar variation 2642926 (VCV002642926.24), dbSNP rs191030787, ClinGen allele CA6536102.

ClinVar aggregate classification (germline): Benign (1 of 4 stars; one submission).

Allele frequency attached by ClinVar (database versions not stated): gnomAD exomes 0.00008; ExAC 0.00030; 1000 Genomes Project 0.00060; 1000 Genomes Project 30x 0.00078; TOPMed 0.00087; gnomAD 0.00088; ESP Exome Variant Server 0.00115.
gnomAD v4.1: 233 of 1,361,866 alleles (0.017%); highest among the groups gnomAD compares: African/African-American, 0.31%; 1 homozygote.

Submission:

CeGaT Center for Human Genetics Tuebingen
Classification: Benign. Last evaluated: 2022-09-01. Review status: criteria provided, single submitter. Criteria: CeGaT Center For Human Genetics Tuebingen Variant Classification Criteria Version 2. Collection method: clinical testing. Allele origin: germline. Affected: yes. Observed: 1 variant allele.
Comment: COL2A1: BS1, BS2